The following is an entry in ClinVar:

ClinVar aggregate classification (germline): Uncertain significance (1 of 4 stars; one submission).

Conditions:
Bethlem myopathy 1A. Also called: MYOPATHY, BENIGN CONGENITAL, WITH CONTRACTURES; Bethlem Muscular Dystrophy; Bethlem myopathy 1. Identifiers: Orphanet 610, MedGen CN029274, MONDO:0024530, OMIM 158810.

Submission:

Labcorp Genetics (formerly Invitae), Labcorp
Classification: Uncertain significance for Bethlem myopathy 1A. Last evaluated: 2023-11-27. Review status: criteria provided, single submitter. Criteria: Invitae Variant Classification Sherloc (09022015). Collection method: clinical testing. Allele origin: germline.
Comment: This sequence change replaces proline, which is neutral and non-polar, with alanine, which is neutral and non-polar, at codon 347 of the COL6A3 protein (p.Pro347Ala). This variant is not present in population databases (gnomAD no frequency). This variant has not been reported in the literature in individuals affected with COL6A3-related conditions. ClinVar contains an entry for this variant (Variation ID: 1713342). Advanced modeling of protein sequence and biophysical properties (such as structural, functional, and spatial information, amino acid conservation, physicochemical variation, residue mobility, and thermodynamic stability) performed at Invitae indicates that this missense variant is not expected to disrupt COL6A3 protein function with a negative predictive value of 95%. In summary, the available evidence is currently insufficient to determine the role of this variant in disease. Therefore, it has been classified as a Variant of Uncertain Significance.

NM_004369.4(COL6A3):c.1039C>G (p.Pro347Ala)

Gene: COL6A3 (collagen type VI alpha 3 chain; minus strand). Cytogenetic location: 2q37.3.
Variant type: single nucleotide variant.
Coding change: c.1039C>G on transcript NM_004369.4 (MANE Select); coding-DNA position 1039, C replaced by G.
Protein change: p.Pro347Ala; replaces proline 347 with alanine.
Molecular consequence: missense variant. On other transcripts: intron variant (2).
Genome position (GRCh38, 1-based): chr2:237,387,855, G>C on the plus strand (C>G on the coding strand, the complement: COL6A3 is on the minus strand). VCF-style: chr2-237387855-G-C. GRCh37 (hg19) VCF-style: chr2-238296498-G-C.
Other names: c.421C>G, p.Pro141Ala (NM_057165.5, NM_057167.4); c.92-6356C>G (NM_057166.5, NM_057164.5); short protein forms P141A, P347A.
Identifiers: ClinVar variation 1713342 (VCV001713342.6), dbSNP rs2078188099, ClinGen allele CA351222315.
Genomic context (GRCh38, chr2:237,387,855, plus strand): 5'-CCACCCCGTAGCGAATCTCGTCACTAGAAGGCCCGGCACTTATGAGGACCAGCACCTGGG[G>C]AACCCCTTCCTCCACGCGGCTGCCCCCTGCCCGGGTGAAGTGGTTCTCCACCACGAAATC-3'
Protein context (NP_004360.2, residues 337-357): AGGSRVEEGV[Pro347Ala]QVLVLISAGP